The following is an entry in ClinVar:

NM_020937.4(FANCM):c.5959dup (p.Ala1987fs)

Gene: FANCM (FA complementation group M; plus strand). Cytogenetic location: 14q21.2.
Variant type: Duplication.
Coding change: c.5959dup on transcript NM_020937.4 (MANE Select); coding-DNA position 5959, one base duplicated (G; older notation c.5959dupG).
Protein change: p.Ala1987fs; shifts the reading frame from alanine 1987.
Molecular consequence: frameshift variant.
Genome position (GRCh38, 1-based): chr14:45,198,886, G duplicated. VCF-style (leftmost placement, unchanged base first): chr14-45198885-T-TG. GRCh37 (hg19) VCF-style: chr14-45668088-T-TG.
Other names: c.5881dup, p.Ala1961fs (NM_001308133.2); short protein forms A1961fs, A1987fs.
Identifiers: ClinVar variation 3369472 (VCV003369472.1).

ClinVar aggregate classification (germline): Uncertain significance (1 of 4 stars; one submission).

Submission:

GeneDx
Classification: Uncertain significance. Last evaluated: 2024-02-23. Review status: criteria provided, single submitter. Criteria: GeneDx Variant Classification Process June 2021. Collection method: clinical testing. Allele origin: germline. Affected: yes.
Comment: Frameshift variant predicted to result in abnormal protein length as the last 62 amino acids are replaced with 15 different amino acids, although loss-of-function variants have not been reported downstream of this position in the protein; Not observed at significant frequency in large population cohorts (gnomAD); Has not been previously published as pathogenic or benign to our knowledge